The following is an entry in ClinVar:

NM_000443.4(ABCB4):c.1348_1353del (p.Glu450_Gly451del)

Gene: ABCB4 (ATP binding cassette subfamily B member 4; minus strand). Cytogenetic location: 7q21.12.
Variant type: Deletion.
Coding change: c.1348_1353del on transcript NM_000443.4 (MANE Select); coding-DNA positions 1348 to 1353, 6 bases deleted (GAGGGC; older notation c.1348_1353delGAGGGC).
Protein change: p.Glu450_Gly451del.
Genome position (GRCh38, 1-based): chr7:87,443,322-87,443,327, GCCCTC deleted on the plus strand (GAGGGC on the coding strand, the reverse complement: ABCB4 is on the minus strand). VCF-style (leftmost placement, unchanged base first): chr7-87443321-TGCCCTC-T. GRCh37 (hg19) VCF-style: chr7-87072637-TGCCCTC-T.
Other names: c.1348_1353del, p.Glu450_Gly451del (NM_018849.3, NM_018850.3).
Identifiers: ClinVar variation 4846432 (VCV004846432.1).

ClinVar aggregate classification (germline): Uncertain significance (1 of 4 stars; one submission).

Conditions:
Familial intrahepatic cholestasis. Identifiers: Orphanet 284385, MedGen CN296401, MONDO:0017290.

Submission:

Genomenon, Inc
Classification: Uncertain significance for Familial intrahepatic cholestasis. Last evaluated: 2026-04-14. Review status: criteria provided, single submitter. Criteria: Genomenon Sequence Variant Interpretation Standards - Updated. Collection method: curation. Allele origin: germline. Affected: yes.
Comment: ABCB4 p.Glu450_Gly451del (c.1348_1353del) is an in-frame deletion variant that results in the deletion of two amino acids, Glutamic acid at position 450 and Glycine at position 451. This variant has been observed in at least one proband with an ABCB4-related disorder (PMID:37701337). It is absent or not present at a significant frequency in gnomAD. In conclusion, we classify ABCB4 p.Glu450_Gly451del (c.1348_1353del) as a variant of uncertain significance.

Literature cited by the submitters: PubMed 37701337.